The following is an entry in ClinVar:

ClinVar aggregate classification (germline): Uncertain significance. Review status: criteria provided, multiple submitters, no conflicts (2 of 4 stars). 2 submissions from 2 submitters: Uncertain significance (2). Last evaluated 2025-06-09.

Conditions:
Malignant hyperthermia, susceptibility to, 1 (MHS1). Also called: Anesthesia related hyperthermia; Malignant hyperpyrexia; Fulminating hyperpyrexia; Pharmacogenic myopathy; RYR1-Related Malignant Hyperthermia Susceptibility; Malignant hyperthermia suceptibility 1. Identifiers: Orphanet 423, MedGen C2930980, MONDO:0007783, OMIM 145600.

Allele frequency attached by ClinVar (database versions not stated): gnomAD 0.00001.

Submissions (2):

Color Diagnostics, LLC DBA Color Health
Classification: Uncertain significance for Malignant hyperthermia, susceptibility to, 1. Last evaluated: 2025-06-09. Review status: criteria provided, single submitter. Criteria: ACMG Guidelines, 2015. Collection method: clinical testing. Allele origin: germline.
Comment: This missense variant replaces serine with leucine at codon 2374 of the RYR1 protein. Computational prediction suggests that this variant may not impact protein structure and function. To our knowledge, functional studies have not been reported for this variant. This variant has not been reported in individuals affected with RYR1-related disorders in the literature. This variant has been identified in 1/31320 chromosomes in the general population by the Genome Aggregation Database (gnomAD). The available evidence is insufficient to determine the role of this variant in disease conclusively. Therefore, this variant is classified as a Variant of Uncertain Significance.

GeneDx
Classification: Uncertain significance. Last evaluated: 2018-07-02. Review status: criteria provided, single submitter. Criteria: GeneDx Variant Classification (06012015). Collection method: clinical testing. Allele origin: germline. Affected: yes.
Comment: The S2374L variant in the RYR1 gene has not been reported previously as a pathogenic variant, nor as a benign variant, to our knowledge. This variant is not observed in large population cohorts (Lek et al., 2016; 1000 Genomes Consortium et al., 2015; Exome Variant Server). The S2374L variant is a non-conservative amino acid substitution, which is likely to impact secondary protein structure as these residues differ in polarity, charge, size and/or other properties. This substitution occurs at a position where amino acids with similar properties to Serine are tolerated across species. In silico analysis is inconsistent in its predictions as to whether or not the variant is damaging to the protein structure/function. Based on currently available evidence, we interpret S2374L as a variant of uncertain significance.

NM_000540.3(RYR1):c.7121C>T (p.Ser2374Leu)

Gene: RYR1 (ryanodine receptor 1; plus strand). Cytogenetic location: 19q13.2.
Variant type: single nucleotide variant.
Coding change: c.7121C>T on transcript NM_000540.3 (MANE Select); coding-DNA position 7121, C replaced by T.
Protein change: p.Ser2374Leu; replaces serine 2374 with leucine.
Molecular consequence: missense variant.
Genome position (GRCh38, 1-based): chr19:38,499,728, C>T. VCF-style: chr19-38499728-C-T. GRCh37 (hg19) VCF-style: chr19-38990368-C-T.
Other names: c.7121C>T, p.Ser2374Leu (NM_001042723.2); short protein forms S2374L.
Identifiers: ClinVar variation 430525 (VCV000430525.3), dbSNP rs1131692006, ClinGen allele CA405668238.